The following is an entry in ClinVar:

NC_000016.10:g.88779266_88827672del

Genes: PIEZO1 (piezo type mechanosensitive ion channel component 1 (Er blood group); minus strand), APRT (adenine phosphoribosyltransferase; minus strand), CDT1 (chromatin licensing and DNA replication factor 1; plus strand), GALNS (galactosamine (N-acetyl)-6-sulfatase; minus strand), LOC130059753 (ATAC-STARR-seq lymphoblastoid active region 11369; plus strand) and 8 more. Cytogenetic location: 16q24.3.
Variant type: Deletion.
Identifiers: ClinVar variation 1048364 (VCV001048364.3).

ClinVar aggregate classification (germline): Likely pathogenic (1 of 4 stars; one submission).

Conditions:
Mucopolysaccharidosis, MPS-IV-A (MPS4A). Also called: Mucopolysaccharidosis type IV A; Mucopolysaccharidosis Type IVA; Morquio syndrome A, mild; MORQUIO SYNDROME A; MPS IVA; mucopolysaccharidosis type 4A. Identifiers: Orphanet 309297, Orphanet 582, MedGen C0086651, MONDO:0009659, OMIM 253000.

Submission:

Laboratory of Diagnosis and Therapy of Lysosomal Disorders, University of Padova
Classification: Likely pathogenic for Mucopolysaccharidosis, MPS-IV-A. Last evaluated: 2021-02-01. Review status: criteria provided, single submitter. Criteria: ACMG Guidelines, 2015. Collection method: curation. Allele origin: germline. Affected: yes.
Comment: Multiexon deletion(PVS1_very strong); absent from gnomAD v2.1.1 (PM2_moderate)

Literature cited by the submitters: PubMed 25545067; PubMed 34387910.